The following is an entry in ClinVar:

NM_000038.6(APC):c.4553A>C (p.Lys1518Thr)

Gene: APC (APC regulator of Wnt signaling pathway; plus strand). Cytogenetic location: 5q22.2.
Variant type: single nucleotide variant.
Coding change: c.4553A>C on transcript NM_000038.6 (MANE Select); coding-DNA position 4553, A replaced by C.
Protein change: p.Lys1518Thr; replaces lysine 1518 with threonine.
Molecular consequence: missense variant. On other transcripts: non-coding transcript variant (2).
Genome position (GRCh38, 1-based): chr5:112,840,147, A>C. VCF-style: chr5-112840147-A-C. GRCh37 (hg19) VCF-style: chr5-112175844-A-C.
Other names: c.4553A>C, p.Lys1518Thr (NM_001127510.3, NM_001354895.2, NM_001407450.1); c.4499A>C, p.Lys1500Thr (NM_001127511.3); c.4607A>C, p.Lys1536Thr (NM_001354896.2, NM_001407447.1, NM_001407448.1 and 1 more transcripts); c.4583A>C, p.Lys1528Thr (NM_001354897.2); c.4478A>C, p.Lys1493Thr (NM_001354898.2); c.4469A>C, p.Lys1490Thr (NM_001354899.2); c.4430A>C, p.Lys1477Thr (NM_001354900.2); c.4376A>C, p.Lys1459Thr (NM_001354901.2, NM_001407453.1); and 11 more; short protein forms K1134T, K1417T, K1518T, K1427T, K1435T, K1511T, K1536T, K1358T.
Identifiers: ClinVar variation 3882214 (VCV003882214.1).

ClinVar aggregate classification (germline): Uncertain significance (1 of 4 stars; one submission).

Conditions:
Hereditary cancer-predisposing syndrome. Also called: Tumor predisposition; Neoplastic Syndromes, Hereditary; Hereditary Cancer Syndrome; Hereditary neoplastic syndrome. Identifiers: Orphanet 140162, MedGen C0027672, MeSH D009386, MONDO:0015356.

Submission:

Ambry Genetics
Classification: Uncertain significance for Hereditary cancer-predisposing syndrome. Last evaluated: 2025-02-02. Review status: criteria provided, single submitter. Criteria: Ambry Variant Classification Scheme 2023. Collection method: clinical testing. Allele origin: germline.
Comment: The p.K1518T variant (also known as c.4553A>C), located in coding exon 15 of the APC gene, results from an A to C substitution at nucleotide position 4553. The lysine at codon 1518 is replaced by threonine, an amino acid with similar properties. This amino acid position is conserved. In addition, in silico predictors for this gene do not accurately predict pathogenicity. Based on the available evidence, the clinical significance of this variant remains unclear.